The following is an entry in ClinVar:

ClinVar aggregate classification (germline): Uncertain significance (1 of 4 stars; one submission).

Conditions:
BPTF-related disorder. Also called: BPTF-related condition.

Submission:

PreventionGenetics, part of Exact Sciences
Classification: Uncertain significance for BPTF-related condition. Last evaluated: 2024-11-20. Review status: criteria provided, single submitter. Criteria: ACMG Guidelines, 2015. Collection method: clinical testing. Allele origin: germline.
Comment: The BPTF c.5890A>G variant is predicted to result in the amino acid substitution p.Met1964Val. To our knowledge, this variant has not been reported in the literature. This variant is reported in 0.0046% of alleles in individuals of European (Finnish) descent in gnomAD. At this time, the clinical significance of this variant is uncertain due to the absence of conclusive functional and genetic evidence.

NM_182641.4(BPTF):c.5890A>G (p.Met1964Val)

Gene: BPTF (bromodomain PHD finger transcription factor; plus strand). Cytogenetic location: 17q24.2.
Variant type: single nucleotide variant.
Coding change: c.5890A>G on transcript NM_182641.4 (MANE Select); coding-DNA position 5890, A replaced by G.
Protein change: p.Met1964Val; replaces methionine 1964 with valine.
Molecular consequence: missense variant.
Genome position (GRCh38, 1-based): chr17:67,928,493, A>G. VCF-style: chr17-67928493-A-G. GRCh37 (hg19) VCF-style: chr17-65924609-A-G.
Other names: c.6079A>G, p.Met2027Val (NM_001439139.1, NM_001439141.1, NM_001439143.1 and 1 more transcripts); c.6268A>G, p.Met2090Val (NM_001439140.1, NM_001439142.1, NM_004459.7); short protein forms M1964V, M2027V, M2090V.
Identifiers: ClinVar variation 4999794 (VCV004999794.1).
Genomic context (GRCh38, chr17:67,928,493, plus strand): 5'-TCTCCAGCACAGAAGGTTATGGTGGCCCCCATAAGTGGCTCAGTTACAACTGGAACCAAA[A>G]TGGTACTAACTACTAAAGTTGGATCTCCAGCTACAGTAACATTCCAACAAAACAAGAACT-3'
Protein context (NP_872579.2, residues 1954-1974): ISGSVTTGTK[Met1964Val]VLTTKVGSPA